The following is an entry in ClinVar:

NM_000051.4(ATM):c.2377A>C (p.Lys793Gln)

Gene: ATM (ATM serine/threonine kinase; plus strand). Cytogenetic location: 11q22.3.
Variant type: single nucleotide variant.
Coding change: c.2377A>C on transcript NM_000051.4 (MANE Select); coding-DNA position 2377, A replaced by C.
Protein change: p.Lys793Gln; replaces lysine 793 with glutamine.
Molecular consequence: missense variant.
Genome position (GRCh38, 1-based): chr11:108,258,986, A>C. VCF-style: chr11-108258986-A-C. GRCh37 (hg19) VCF-style: chr11-108129713-A-C.
Other names: c.2377A>C, p.Lys793Gln (NM_001351834.2); short protein forms K793Q.
Identifiers: ClinVar variation 631417 (VCV000631417.16), dbSNP rs587781583, ClinGen allele CA382540996.

ClinVar aggregate classification (germline): Uncertain significance. Review status: criteria provided, multiple submitters, no conflicts (2 of 4 stars). 3 submissions from 3 submitters: Uncertain significance (3). Last evaluated 2025-11-19.

Conditions:
Ataxia-telangiectasia syndrome (AT). Also called: Ataxia-telangiectasia, complementation group D; AT, COMPLEMENTATION GROUP C; Ataxia-telangiectasia; ATAXIA-TELANGIECTASIA, COMPLEMENTATION GROUP A; ATAXIA-TELANGIECTASIA, FRESNO VARIANT; LOUIS-BAR SYNDROME. Identifiers: Orphanet 100, MedGen C0004135, MONDO:0008840, OMIM 208900.
Hereditary cancer-predisposing syndrome. Also called: Hereditary Cancer Syndrome; Neoplastic Syndromes, Hereditary; Tumor predisposition; Hereditary neoplastic syndrome. Identifiers: Orphanet 140162, MedGen C0027672, MeSH D009386, MONDO:0015356.

Allele frequency attached by ClinVar (database versions not stated): TOPMed 0.00001.
gnomAD v4.1: 2 of 1,612,044 alleles (0.00012%); highest among the groups gnomAD compares: Non-Finnish European, 0.00017%; no homozygotes.

Submissions (3):

Labcorp Genetics (formerly Invitae), Labcorp
Classification: Uncertain significance for Ataxia-telangiectasia syndrome. Last evaluated: 2025-11-19. Review status: criteria provided, single submitter. Criteria: Invitae Variant Classification Sherloc (09022015). Collection method: clinical testing. Allele origin: germline.
Comment: This sequence change replaces lysine, which is basic and polar, with glutamine, which is neutral and polar, at codon 793 of the ATM protein (p.Lys793Gln). This variant is not present in population databases (gnomAD no frequency). This variant has not been reported in the literature in individuals affected with ATM-related conditions. ClinVar contains an entry for this variant (Variation ID: 631417). An algorithm developed to predict the effect of missense changes on protein structure and function outputs the following: PolyPhen-2: "Benign". The glutamine amino acid residue is found in multiple mammalian species, which suggests that this missense change does not adversely affect protein function. Studies have shown that this missense change is associated with inconclusive levels of altered splicing (internal data). In summary, the available evidence is currently insufficient to determine the role of this variant in disease. Therefore, it has been classified as a Variant of Uncertain Significance.

Ambry Genetics
Classification: Uncertain significance for Hereditary cancer-predisposing syndrome. Last evaluated: 2024-04-22. Review status: criteria provided, single submitter. Criteria: Ambry Variant Classification Scheme 2023. Collection method: clinical testing. Allele origin: germline.
Comment: The p.K793Q variant (also known as c.2377A>C) is located in coding exon 15 of the ATM gene. The lysine at codon 793 is replaced by glutamine, an amino acid with similar properties. This change occurs in the first base pair of coding exon 15. This amino acid position is poorly conserved in available vertebrate species. In addition, this alteration is predicted to be tolerated by in silico analysis. Since supporting evidence is limited at this time, the clinical significance of this alteration remains unclear.

Color Diagnostics, LLC DBA Color Health
Classification: Uncertain significance for Hereditary cancer-predisposing syndrome. Last evaluated: 2021-04-05. Review status: criteria provided, single submitter. Criteria: ACMG Guidelines, 2015. Collection method: clinical testing. Allele origin: germline.
Comment: This missense variant replaces lysine with glutamine at codon 793 of the ATM protein. Computational prediction suggests that this variant may not impact protein structure and function (internally defined REVEL score threshold <= 0.5, PMID: 27666373). To our knowledge, functional studies have not been reported for this variant. This variant has not been reported in individuals affected with hereditary cancer in the literature. This variant has not been identified in the general population by the Genome Aggregation Database (gnomAD). The available evidence is insufficient to determine the role of this variant in disease conclusively. Therefore, this variant is classified as a Variant of Uncertain Significance.